The following is an entry in ClinVar:

ClinVar aggregate classification (germline): Uncertain significance (1 of 4 stars; one submission).

Conditions:
Cardiovascular phenotype. Identifiers: MedGen CN230736.

Submission:

Ambry Genetics
Classification: Uncertain significance for Cardiovascular phenotype. Last evaluated: 2024-06-04. Review status: criteria provided, single submitter. Criteria: Ambry Variant Classification Scheme 2023. Collection method: clinical testing. Allele origin: germline.
Comment: The p.I1614L variant (also known as c.4840A>C), located in coding exon 28 of the FLNC gene, results from an A to C substitution at nucleotide position 4840. The isoleucine at codon 1614 is replaced by leucine, an amino acid with highly similar properties. This amino acid position is conserved. In addition, the in silico prediction for this alteration is inconclusive. Based on the available evidence, the clinical significance of this variant remains unclear.

NM_001458.5(FLNC):c.4840A>C (p.Ile1614Leu)

Gene: FLNC (filamin C; plus strand). Cytogenetic location: 7q32.1.
Variant type: single nucleotide variant.
Coding change: c.4840A>C on transcript NM_001458.5 (MANE Select); coding-DNA position 4840, A replaced by C.
Protein change: p.Ile1614Leu; replaces isoleucine 1614 with leucine.
Molecular consequence: missense variant.
Genome position (GRCh38, 1-based): chr7:128,848,895, A>C. VCF-style: chr7-128848895-A-C. GRCh37 (hg19) VCF-style: chr7-128488949-A-C.
Other names: c.4840A>C, p.Ile1614Leu (NM_001127487.2); short protein forms I1614L.
Identifiers: ClinVar variation 3279230 (VCV003279230.1).